The following is an entry in ClinVar:

NM_001365480.1(CCDC88A):c.1237A>G (p.Met413Val)

Gene: CCDC88A (coiled-coil and HOOK domain protein 88A; minus strand). Cytogenetic location: 2p16.1.
Variant type: single nucleotide variant.
Coding change: c.1237A>G on transcript NM_001365480.1 (MANE Select); coding-DNA position 1237, A replaced by G.
Protein change: p.Met413Val; replaces methionine 413 with valine.
Molecular consequence: missense variant.
Genome position (GRCh38, 1-based): chr2:55,343,744, T>C on the plus strand (A>G on the coding strand, the complement: CCDC88A is on the minus strand). VCF-style: chr2-55343744-T-C. GRCh37 (hg19) VCF-style: chr2-55570880-T-C.
Other names: c.1237A>G, p.Met413Val (NM_001135597.2, NM_001254943.2, NM_018084.5); short protein forms M413V.
Identifiers: ClinVar variation 2979317 (VCV002979317.3), dbSNP rs530850222, ClinGen allele CA47613879.

ClinVar aggregate classification (germline): Uncertain significance (1 of 4 stars; one submission).

Allele frequency attached by ClinVar (database versions not stated): TOPMed below 0.00001; gnomAD 0.00001; gnomAD exomes 0.00001; 1000 Genomes Project 30x 0.00016; 1000 Genomes Project 0.00020.
gnomAD v4.1: 17 of 1,611,340 alleles (0.0011%); highest among the groups gnomAD compares: South Asian, 0.017%; no homozygotes.

Submission:

Labcorp Genetics (formerly Invitae), Labcorp
Classification: Uncertain significance. Last evaluated: 2024-01-29. Review status: criteria provided, single submitter. Criteria: Invitae Variant Classification Sherloc (09022015). Collection method: clinical testing. Allele origin: germline.
Comment: This sequence change replaces methionine, which is neutral and non-polar, with valine, which is neutral and non-polar, at codon 413 of the CCDC88A protein (p.Met413Val). This variant is present in population databases (rs530850222, gnomAD 0.01%). This variant has not been reported in the literature in individuals affected with CCDC88A-related conditions. An algorithm developed to predict the effect of missense changes on protein structure and function (PolyPhen-2) suggests that this variant is likely to be tolerated. In summary, the available evidence is currently insufficient to determine the role of this variant in disease. Therefore, it has been classified as a Variant of Uncertain Significance.